The following is an entry in ClinVar:

NM_014956.5(CEP164):c.3711_3712del (p.Ser1238fs)

Gene: CEP164 (centrosomal protein 164; plus strand). Cytogenetic location: 11q23.3.
Variant type: Deletion.
Coding change: c.3711_3712del on transcript NM_014956.5 (MANE Select); coding-DNA positions 3711 to 3712, 2 bases deleted (TT; older notation c.3711_3712delTT).
Protein change: p.Ser1238fs; shifts the reading frame from serine 1238.
Molecular consequence: frameshift variant.
Genome position (GRCh38, 1-based): chr11:117,408,991-117,408,992, TT deleted; deleting any 2 consecutive bases within chr11:117,408,988-117,408,992 gives the same sequence; the c. name uses the placement nearest the transcript's 3' end. VCF-style (leftmost placement, unchanged base first): chr11-117408987-CTT-C. GRCh37 (hg19) VCF-style: chr11-117279703-CTT-C.
Other names: c.3720_3721del, p.Ser1241fs (NM_001271933.2); short protein forms S1238fs, S1241fs.
Identifiers: ClinVar variation 1454479 (VCV001454479.6), dbSNP rs2047013877, ClinGen allele CA2003027860.

ClinVar aggregate classification (germline): Pathogenic (1 of 4 stars; one submission).

Conditions:
Nephronophthisis 15 (NPHP15). Identifiers: Orphanet 3156, MedGen C3541853, MONDO:0013917, OMIM 614845.

Submission:

Labcorp Genetics (formerly Invitae), Labcorp
Classification: Pathogenic for Nephronophthisis 15. Last evaluated: 2024-11-05. Review status: criteria provided, single submitter. Criteria: Invitae Variant Classification Sherloc (09022015). Collection method: clinical testing. Allele origin: germline.
Comment: This sequence change creates a premature translational stop signal (p.Ser1238Profs*5) in the CEP164 gene. It is expected to result in an absent or disrupted protein product. Loss-of-function variants in CEP164 are known to be pathogenic (PMID: 22863007, 28125082, 32367404, 34132027, 34499853). This variant is not present in population databases (gnomAD no frequency). This variant has not been reported in the literature in individuals affected with CEP164-related conditions. ClinVar contains an entry for this variant (Variation ID: 1454479). For these reasons, this variant has been classified as Pathogenic.

Literature cited by the submitters: PubMed 22863007; PubMed 28125082; PubMed 32367404; PubMed 34132027; PubMed 34499853.